The following is an entry in ClinVar:

ClinVar aggregate classification (germline): Pathogenic/Likely pathogenic. Review status: criteria provided, multiple submitters, no conflicts (2 of 4 stars). 3 submissions from 3 submitters: Pathogenic (2); Likely pathogenic (1). Last evaluated 2024-05-07.

Conditions:
Arrhythmogenic right ventricular dysplasia 8 (ARVD8). Also called: Arrhythmogenic Right Ventricular Dysplasia/Cardiomyopathy 8; ARRHYTHMOGENIC RIGHT VENTRICULAR DYSPLASIA, FAMILIAL, 8; ARRHYTHMOGENIC RIGHT VENTRICULAR CARDIOMYOPATHY 8. Identifiers: MedGen C1843896, MONDO:0011831, OMIM 607450.
Arrhythmogenic cardiomyopathy with wooly hair and keratoderma. Also called: Carvajal syndrome; Arrhythmogenic cardiomyopathy with woolly hair and keratoderma; PALMOPLANTAR KERATODERMA WITH LEFT VENTRICULAR CARDIOMYOPATHY AND WOOLLY HAIR; Dilated cardiomyopathy with woolly hair and keratoderma. Identifiers: Orphanet 65282, MedGen C1854063, MONDO:0011581, OMIM 605676.
Cardiovascular phenotype. Identifiers: MedGen CN230736.

Submissions (3):

Ambry Genetics
Classification: Pathogenic for Cardiovascular phenotype. Last evaluated: 2024-05-07. Review status: criteria provided, single submitter. Criteria: Ambry Variant Classification Scheme 2023. Collection method: clinical testing. Allele origin: germline.
Comment: The c.423-1G>T intronic pathogenic mutation results from a G to T substitution one nucleotide before coding exon 4 of the DSP gene. Another alteration impacting the same acceptor site (c.423-1G>A) has been reported in a family with arrhythmogenic right ventricular cardiomyopathy and sudden death, and RNA sequencing reportedly showed skipping of exon 4, predicted to result in a truncated or absent protein (Bauce B et al. Eur Heart J. 2005;26(16):1666-75). This nucleotide position is highly conserved in available vertebrate species. In silico splice site analysis predicts that this alteration will weaken the native splice acceptor site. This variant is considered to be rare based on population cohorts in the Genome Aggregation Database (gnomAD). Alterations that disrupt the canonical splice site are expected to cause aberrant splicing, resulting in an abnormal protein or a transcript that is subject to nonsense-mediated mRNA decay. As such, this alteration is classified as a pathogenic mutation.

Labcorp Genetics (formerly Invitae), Labcorp
Classification: Likely pathogenic for Arrhythmogenic cardiomyopathy with wooly hair and keratoderma; Arrhythmogenic right ventricular dysplasia 8. Last evaluated: 2021-03-13. Review status: criteria provided, single submitter. Criteria: Invitae Variant Classification Sherloc (09022015). Collection method: clinical testing. Allele origin: germline.
Comment: In summary, the currently available evidence indicates that the variant is pathogenic, but additional data are needed to prove that conclusively. Therefore, this variant has been classified as Likely Pathogenic. This variant has been observed in individual(s) with clinical features of arrhythmogenic right ventricular cardiomyopathy (PMID: 15941723). ClinVar contains an entry for this variant (Variation ID: 432430). This variant is not present in population databases (ExAC no frequency). This sequence change affects an acceptor splice site in intron 3 of the DSP gene. It is expected to disrupt RNA splicing. Variants that disrupt the donor or acceptor splice site typically lead to a loss of protein function (PMID: 16199547), and loss-of-function variants in DSP are known to be pathogenic (PMID: 20716751, 24503780, 25227139).

GeneDx
Classification: Pathogenic. Last evaluated: 2017-05-30. Review status: criteria provided, single submitter. Criteria: GeneDx Variant Classification (06012015). Collection method: clinical testing. Allele origin: germline. Affected: yes.
Comment: Although the c.423-1 G>T variant has not been reported as a pathogenic or benign to our knowledge, functional studies show that a variant at the same nucleotide position, c.423-1 G>A, leads to aberrant spliced mRNA products that lead to a truncated protein (Bauce et al., 2005). Additionally, this nucleotide substitution occurs at a position that is conserved across species. The c.423-1 G>T variant destroys the canonical splice acceptor site in intron 3 and is predicted to cause abnormal gene splicing. This variant is predicted to lead to either an abnormal message that is subject to nonsense-mediated mRNA decay, or to an abnormal protein product if the message is used for protein translation. Other splice site variants in the DSP gene have been reported in HGMD in association with cardiomyopathy (Stenson et al., 2014). Furthermore, the c.423-1 G>T variant is not observed in large population cohorts (Lek et al., 2016; 1000 Genomes Consortium et al., 2015; Exome Variant Server).

Literature cited by the submitters: PubMed 15941723 (cited by Ambry Genetics and Labcorp Genetics (formerly Invitae), Labcorp); PubMed 16199547 (cited by Labcorp Genetics (formerly Invitae), Labcorp); PubMed 20716751 (cited by Labcorp Genetics (formerly Invitae), Labcorp); PubMed 24503780 (cited by Labcorp Genetics (formerly Invitae), Labcorp); PubMed 25227139 (cited by Labcorp Genetics (formerly Invitae), Labcorp).

NM_004415.4(DSP):c.423-1G>T

Gene: DSP (desmoplakin; plus strand). Cytogenetic location: 6p24.3.
Variant type: single nucleotide variant.
Coding change: c.423-1G>T on transcript NM_004415.4 (MANE Select); the canonical splice acceptor site of the intron before coding-DNA position 423, G replaced by T.
Molecular consequence: splice acceptor variant.
Genome position (GRCh38, 1-based): chr6:7,559,225, G>T. VCF-style: chr6-7559225-G-T. GRCh37 (hg19) VCF-style: chr6-7559458-G-T.
Other names: c.423-1G>T (NM_001319034.2, NM_001008844.3, NM_001406591.1).
Identifiers: ClinVar variation 432430 (VCV000432430.15), dbSNP rs1304410089, ClinGen allele CA362671945.